The following is an entry in ClinVar:

ClinVar aggregate classification (germline): Uncertain significance (1 of 4 stars; one submission).

Conditions:
Multiple congenital exostosis (EXT). Also called: Multiple osteochondromas; Multiple exostoses; Hereditary multiple osteochondromas; Hereditary multiple exostoses; Hereditary multiple exostosis; MULTIPLE CARTILAGINOUS EXOSTOSES. Identifiers: Orphanet 321, MedGen C0015306, MONDO:0005508, HP:0002762.

Submission:

Labcorp Genetics (formerly Invitae), Labcorp
Classification: Uncertain significance for Multiple congenital exostosis. Last evaluated: 2024-02-17. Review status: criteria provided, single submitter. Criteria: Invitae Variant Classification Sherloc (09022015). Collection method: clinical testing. Allele origin: germline.
Comment: This sequence change replaces serine, which is neutral and polar, with cysteine, which is neutral and slightly polar, at codon 91 of the EXT1 protein (p.Ser91Cys). This variant is not present in population databases (gnomAD no frequency). This variant has not been reported in the literature in individuals affected with EXT1-related conditions. Advanced modeling of protein sequence and biophysical properties (such as structural, functional, and spatial information, amino acid conservation, physicochemical variation, residue mobility, and thermodynamic stability) has been performed at Invitae for this missense variant, however the output from this modeling did not meet the statistical confidence thresholds required to predict the impact of this variant on EXT1 protein function. In summary, the available evidence is currently insufficient to determine the role of this variant in disease. Therefore, it has been classified as a Variant of Uncertain Significance.

NM_000127.3(EXT1):c.271A>T (p.Ser91Cys)

Gene: EXT1 (exostosin glycosyltransferase 1; minus strand). Cytogenetic location: 8q24.11.
Variant type: single nucleotide variant.
Coding change: c.271A>T on transcript NM_000127.3 (MANE Select); coding-DNA position 271, A replaced by T.
Protein change: p.Ser91Cys; replaces serine 91 with cysteine.
Molecular consequence: missense variant.
Genome position (GRCh38, 1-based): chr8:118,110,776, T>A on the plus strand (A>T on the coding strand, the complement: EXT1 is on the minus strand). VCF-style: chr8-118110776-T-A. GRCh37 (hg19) VCF-style: chr8-119123015-T-A.
Other names: short protein forms S91C.
Identifiers: ClinVar variation 3627348 (VCV003627348.2).